The following is an entry in ClinVar:

ClinVar aggregate classification (germline): Likely pathogenic (1 of 4 stars; one submission).

Conditions:
Immunodeficiency 14 (IMD14A). Also called: p110-DELTA-ACTIVATING MUTATION CAUSING SENESCENT T CELLS, LYMPHADENOPATHY, AND IMMUNODEFICIENCY; Activated PI3K Delta Syndrome Type 1 (APDS1); IMMUNODEFICIENCY 14A WITH LYMPHOPROLIFERATION, AUTOSOMAL DOMINANT; ACTIVATED PI3K-DELTA SYNDROME 1. Identifiers: Orphanet 397596, Orphanet 693661, MedGen C5907821, MONDO:0014222, OMIM 615513.

Submission:

Labcorp Genetics (formerly Invitae), Labcorp
Classification: Likely pathogenic for Activated PI3K-delta syndrome. Last evaluated: 2025-07-07. Review status: criteria provided, single submitter. Criteria: Invitae Variant Classification Sherloc (09022015). Collection method: clinical testing. Allele origin: germline.
Comment: This variant results in the deletion of part of exon 19 (c.2348-11_2356del) of the PIK3CD gene. It is expected to disrupt RNA splicing. Variants that disrupt the donor or acceptor splice site typically lead to a loss of protein function (PMID: 16199547), and loss-of-function variants in PIK3CD are known to be pathogenic (PMID: 30040974, 31073077). This variant is not present in population databases (gnomAD no frequency). This variant has not been reported in the literature in individuals affected with PIK3CD-related conditions. ClinVar contains an entry for this variant (Variation ID: 948860). In summary, the currently available evidence indicates that the variant is pathogenic, but additional data are needed to prove that conclusively. Therefore, this variant has been classified as Likely Pathogenic.

Literature cited by the submitters: PubMed 16199547; PubMed 30040974; PubMed 31073077.

NM_005026.5(PIK3CD):c.2348-11_2356del

Gene: PIK3CD (phosphatidylinositol-4,5-bisphosphate 3-kinase catalytic subunit delta; plus strand). Cytogenetic location: 1p36.22.
Variant type: Deletion.
Coding change: c.2348-11_2356del on transcript NM_005026.5 (MANE Select); 11 bases into the intron before coding-DNA position 2348 through coding-DNA position 2356, 20 bases deleted (CGGTGGCACAGACCTCCGGC).
Molecular consequence: splice acceptor variant.
Genome position (GRCh38, 1-based): chr1:9,722,517-9,722,536, CGGTGGCACAGACCTCCGGC deleted; deleting any 20 consecutive bases within chr1:9,722,512-9,722,536 gives the same sequence; the c. name uses the placement nearest the transcript's 3' end. VCF-style (leftmost placement, unchanged base first): chr1-9722511-ACCGGCCGGTGGCACAGACCT-A. GRCh37 (hg19) VCF-style: chr1-9782569-ACCGGCCGGTGGCACAGACCT-A.
Other names: c.2345-11_2353del (NM_001350234.2); c.2261-11_2269del (NM_001350235.1).
Identifiers: ClinVar variation 948860 (VCV000948860.8), dbSNP rs1648840773, ClinGen allele CA1139655946.